The following is an entry in ClinVar:

ClinVar aggregate classification (germline): Conflicting classifications of pathogenicity. Review status: criteria provided, conflicting classifications (1 of 4 stars). 3 submissions from 3 submitters: Likely pathogenic (1); Uncertain significance (2). Last evaluated 2024-07-15.

Conditions:
Hereditary cancer-predisposing syndrome. Also called: Neoplastic Syndromes, Hereditary; Hereditary Cancer Syndrome; Hereditary neoplastic syndrome; Tumor predisposition. Identifiers: Orphanet 140162, MedGen C0027672, MeSH D009386, MONDO:0015356.
Cardiovascular phenotype. Identifiers: MedGen CN230736.
Neurofibromatosis, type 1 (NF1). Also called: Neurofibromatosis, type I; Peripheral type neurofibromatosis; VON RECKLINGHAUSEN DISEASE; NEUROFIBROMATOSIS, TYPE I, SOMATIC. Identifiers: Orphanet 636, MedGen C0027831, MONDO:0018975, OMIM 162200. Disease mechanism: loss of function.

Submissions (3):

Labcorp Genetics (formerly Invitae), Labcorp
Classification: Likely pathogenic for Neurofibromatosis, type 1. Last evaluated: 2024-07-15. Review status: criteria provided, single submitter. Criteria: Invitae Variant Classification Sherloc (09022015). Collection method: clinical testing. Allele origin: germline.
Comment: This sequence change replaces leucine, which is neutral and non-polar, with arginine, which is basic and polar, at codon 1935 of the NF1 protein (p.Leu1935Arg). This variant is not present in population databases (gnomAD no frequency). This missense change has been observed in individual(s) with NF1-related conditions (Invitae). ClinVar contains an entry for this variant (Variation ID: 825985). Advanced modeling of protein sequence and biophysical properties (such as structural, functional, and spatial information, amino acid conservation, physicochemical variation, residue mobility, and thermodynamic stability) performed at Invitae indicates that this missense variant is expected to disrupt NF1 protein function with a positive predictive value of 95%. In summary, the currently available evidence indicates that the variant is pathogenic, but additional data are needed to prove that conclusively. Therefore, this variant has been classified as Likely Pathogenic.

Genome-Nilou Lab
Classification: Uncertain significance for Neurofibromatosis, type 1. Last evaluated: 2022-03-15. Review status: criteria provided, single submitter. Criteria: ACMG Guidelines, 2015. Collection method: clinical testing. Allele origin: germline. Affected: no.

Ambry Genetics
Classification: Uncertain significance for Cardiovascular phenotype; Hereditary cancer-predisposing syndrome. Last evaluated: 2018-12-20. Review status: criteria provided, single submitter. Criteria: Ambry Variant Classification Scheme 2023. Collection method: clinical testing. Allele origin: germline.
Comment: The p.L1935R variant (also known as c.5804T>G), located in coding exon 39 of the NF1 gene, results from a T to G substitution at nucleotide position 5804. The leucine at codon 1935 is replaced by arginine, an amino acid with dissimilar properties. This amino acid position is highly conserved in available vertebrate species. In addition, this alteration is predicted to be deleterious by in silico analysis. Since supporting evidence is limited at this time, the clinical significance of this alteration remains unclear.

NM_001042492.3(NF1):c.5867T>G (p.Leu1956Arg)

Gene: NF1 (neurofibromin 1; plus strand). Cytogenetic location: 17q11.2.
Variant type: single nucleotide variant.
Coding change: c.5867T>G on transcript NM_001042492.3 (MANE Select); coding-DNA position 5867, T replaced by G.
Protein change: p.Leu1956Arg; replaces leucine 1956 with arginine.
Molecular consequence: missense variant.
Genome position (GRCh38, 1-based): chr17:31,334,892, T>G. VCF-style: chr17-31334892-T-G. GRCh37 (hg19) VCF-style: chr17-29661910-T-G.
Other names: c.5804T>G, p.Leu1935Arg (NM_000267.4); short protein forms L1956R, L1935R.
Identifiers: ClinVar variation 825985 (VCV000825985.12), dbSNP rs1597840087, ClinGen allele CA399010673.